The following is an entry in ClinVar:

NM_001003800.2(BICD2):c.1236C>T (p.Asn412=)

Gene: BICD2 (BICD cargo adaptor 2; minus strand). Cytogenetic location: 9q22.31.
Variant type: single nucleotide variant.
Coding change: c.1236C>T on transcript NM_001003800.2 (MANE Select); coding-DNA position 1236, C replaced by T.
Protein change: p.Asn412=; no amino-acid change (asparagine 412 retained).
Molecular consequence: synonymous variant.
Genome position (GRCh38, 1-based): chr9:92,719,409, G>A on the plus strand (C>T on the coding strand, the complement: BICD2 is on the minus strand). VCF-style: chr9-92719409-G-A. GRCh37 (hg19) VCF-style: chr9-95481691-G-A.
Other names: c.1236C>T, p.Asn412= (NM_015250.4).
Identifiers: ClinVar variation 387286 (VCV000387286.17), dbSNP rs761796557, ClinGen allele CA5126600.

ClinVar aggregate classification (germline): Likely benign. Review status: criteria provided, multiple submitters, no conflicts (2 of 4 stars). 3 submissions from 3 submitters: Likely benign (3). Last evaluated 2024-02-23.

Conditions:
Inborn genetic diseases. Identifiers: MedGen C0950123, MeSH D030342.
Autosomal dominant childhood-onset proximal spinal muscular atrophy with contractures (SMALED2A). Also called: SPINAL MUSCULAR ATROPHY, LOWER EXTREMITY-PREDOMINANT, 2A, CHILDHOOD ONSET, AUTOSOMAL DOMINANT; Spinal muscular atrophy, lower extremity-predominant, 2A, autosomal dominant. Identifiers: Orphanet 363447, Orphanet 363454, MedGen C4747715, MONDO:0014121, OMIM 615290.

Allele frequency attached by ClinVar (database versions not stated): ExAC 0.00002; gnomAD exomes 0.00002 and 0.00004; gnomAD 0.00008 and 0.00009; TOPMed 0.00011.
gnomAD v4.1: 47 of 1,614,032 alleles (0.0029%); highest among the groups gnomAD compares: Middle Eastern, 0.033%; no homozygotes.

Submissions (3):

Labcorp Genetics (formerly Invitae), Labcorp
Classification: Likely benign for Autosomal dominant childhood-onset proximal spinal muscular atrophy with contractures. Last evaluated: 2024-02-23. Review status: criteria provided, single submitter. Criteria: Invitae Variant Classification Sherloc (09022015). Collection method: clinical testing. Allele origin: germline.

Ambry Genetics
Classification: Likely benign for Inborn genetic diseases. Last evaluated: 2019-07-11. Review status: criteria provided, single submitter. Criteria: Ambry Variant Classification Scheme 2023. Collection method: clinical testing. Allele origin: germline.

GeneDx
Classification: Likely benign. Last evaluated: 2016-07-29. Review status: criteria provided, single submitter. Criteria: GeneDx Variant Classification (06012015). Collection method: clinical testing. Allele origin: germline. Affected: yes.
Comment: This variant is considered likely benign or benign based on one or more of the following criteria: it is a conservative change, it occurs at a poorly conserved position in the protein, it is predicted to be benign by multiple in silico algorithms, and/or has population frequency not consistent with disease.